The following is an entry in ClinVar:

NM_014140.4(SMARCAL1):c.831G>A (p.Trp277Ter)

Gene: SMARCAL1 (SNF2 related chromatin remodeling annealing helicase 1; plus strand). Cytogenetic location: 2q35.
Variant type: single nucleotide variant.
Coding change: c.831G>A on transcript NM_014140.4 (MANE Select); coding-DNA position 831, G replaced by A.
Protein change: p.Trp277Ter; replaces tryptophan 277 with a stop codon.
Molecular consequence: nonsense.
Genome position (GRCh38, 1-based): chr2:216,416,276, G>A. VCF-style: chr2-216416276-G-A. GRCh37 (hg19) VCF-style: chr2-217280999-G-A.
Other names: c.831G>A, p.Trp277Ter (NM_001127207.2); short protein forms W277*.
Identifiers: ClinVar variation 4815609 (VCV004815609.1).

ClinVar aggregate classification (germline): Likely pathogenic (1 of 4 stars; one submission).

Conditions:
Schimke immuno-osseous dysplasia (SIOD). Also called: Schimke Immunoosseous Dysplasia. Identifiers: Orphanet 1830, MedGen C0877024, MONDO:0009458, OMIM 242900.

Submission:

Natera, Inc.
Classification: Likely pathogenic for Schimke immuno-osseous dysplasia. Last evaluated: 2025-03-06. Review status: criteria provided, single submitter. Criteria: Natera Variant Classification Schema (03/2026). Collection method: clinical testing. Allele origin: germline.
Comment: The c.831G>A variant in SMARCAL1 is a nonsense variant predicted to introduce a stop codon at amino acid 277. This variant is expected to result in nonsense mediated decay, truncation, or a dysfunctional protein product. This variant is rare in the general population with a frequency below the threshold expected for the associated phenotype(s). Given the available evidence, this variant is classified as Likely Pathogenic.